The following is an entry in ClinVar:

NM_004211.5(SLC6A5):c.719C>G (p.Ala240Gly)

Gene: SLC6A5 (solute carrier family 6 member 5; plus strand). Cytogenetic location: 11p15.1.
Variant type: single nucleotide variant.
Coding change: c.719C>G on transcript NM_004211.5 (MANE Select); coding-DNA position 719, C replaced by G.
Protein change: p.Ala240Gly; replaces alanine 240 with glycine.
Molecular consequence: missense variant.
Genome position (GRCh38, 1-based): chr11:20,607,046, C>G. VCF-style: chr11-20607046-C-G. GRCh37 (hg19) VCF-style: chr11-20628592-C-G.
Other names: c.17C>G, p.Ala6Gly (NM_001318369.2); c.719C>G (NM_004211.3); short protein forms A240G, A6G.
Identifiers: ClinVar variation 1369659 (VCV001369659.4), dbSNP rs770456450, ClinGen allele CA5921186.

ClinVar aggregate classification (germline): Uncertain significance. Review status: criteria provided, multiple submitters, no conflicts (2 of 4 stars). 2 submissions from 2 submitters: Uncertain significance (2). Last evaluated 2024-11-13.

Conditions:
Inborn genetic diseases. Identifiers: MedGen C0950123, MeSH D030342.
Hyperekplexia 3 (HKPX3). Also called: HYPEREKPLEXIA 3, AUTOSOMAL RECESSIVE; HYPEREKPLEXIA 3, AUTOSOMAL DOMINANT. Identifiers: Orphanet 3197, MedGen C3553288, MONDO:0013827, OMIM 614618.

Allele frequency attached by ClinVar (database versions not stated): gnomAD 0.00001; gnomAD exomes 0.00001; ExAC 0.00002; TOPMed 0.00002.
gnomAD v4.1: 13 of 1,613,948 alleles (0.00081%); highest among the groups gnomAD compares: South Asian, 0.0011%; no homozygotes.

Submissions (2):

Ambry Genetics
Classification: Uncertain significance for Inborn genetic diseases. Last evaluated: 2024-11-13. Review status: criteria provided, single submitter. Criteria: Ambry Variant Classification Scheme 2023. Collection method: clinical testing. Allele origin: germline.

Labcorp Genetics (formerly Invitae), Labcorp
Classification: Uncertain significance for Hyperekplexia 3. Last evaluated: 2022-02-25. Review status: criteria provided, single submitter. Criteria: Invitae Variant Classification Sherloc (09022015). Collection method: clinical testing. Allele origin: germline.
Comment: This sequence change replaces alanine, which is neutral and non-polar, with glycine, which is neutral and non-polar, at codon 240 of the SLC6A5 protein (p.Ala240Gly). This variant is present in population databases (rs770456450, gnomAD 0.006%). This variant has not been reported in the literature in individuals affected with SLC6A5-related conditions. Advanced modeling of protein sequence and biophysical properties (such as structural, functional, and spatial information, amino acid conservation, physicochemical variation, residue mobility, and thermodynamic stability) performed at Invitae indicates that this missense variant is not expected to disrupt SLC6A5 protein function. In summary, the available evidence is currently insufficient to determine the role of this variant in disease. Therefore, it has been classified as a Variant of Uncertain Significance.